The following is an entry in ClinVar:

ClinVar aggregate classification (germline): Uncertain significance. Review status: criteria provided, multiple submitters, no conflicts (2 of 4 stars). 2 submissions from 2 submitters: Uncertain significance (2). Last evaluated 2025-01-13.

Conditions:
Achondrogenesis, type IA (ACG1A). Identifiers: Orphanet 932, Orphanet 93299, MedGen C0265273, MONDO:0008701, OMIM 200600.

Allele frequency attached by ClinVar (database versions not stated): gnomAD exomes 0.00001 and 0.00005; ExAC 0.00007; 1000 Genomes Project 30x 0.00016; 1000 Genomes Project 0.00020; gnomAD 0.00021 and 0.00024; TOPMed 0.00023; ESP Exome Variant Server 0.00031.
gnomAD v4.1: 59 of 1,613,754 alleles (0.0037%); highest among the groups gnomAD compares: African/African-American, 0.053%; no homozygotes.

Submissions (2):

Labcorp Genetics (formerly Invitae), Labcorp
Classification: Uncertain significance for Achondrogenesis, type IA. Last evaluated: 2025-01-13. Review status: criteria provided, single submitter. Criteria: Invitae Variant Classification Sherloc (09022015). Collection method: clinical testing. Allele origin: germline.
Comment: This sequence change replaces alanine, which is neutral and non-polar, with threonine, which is neutral and polar, at codon 1733 of the TRIP11 protein (p.Ala1733Thr). This variant is present in population databases (rs142518915, gnomAD 0.07%). This variant has not been reported in the literature in individuals affected with TRIP11-related conditions. ClinVar contains an entry for this variant (Variation ID: 887451). Invitae Evidence Modeling of protein sequence and biophysical properties (such as structural, functional, and spatial information, amino acid conservation, physicochemical variation, residue mobility, and thermodynamic stability) indicates that this missense variant is not expected to disrupt TRIP11 protein function with a negative predictive value of 80%. In summary, the available evidence is currently insufficient to determine the role of this variant in disease. Therefore, it has been classified as a Variant of Uncertain Significance.

Illumina Laboratory Services, Illumina
Classification: Uncertain significance for Achondrogenesis, type IA. Last evaluated: 2018-01-13. Review status: criteria provided, single submitter. Criteria: ICSL Variant Classification Criteria 13 December 2019. Collection method: clinical testing. Allele origin: germline.

NM_004239.4(TRIP11):c.5197G>A (p.Ala1733Thr)

Gene: TRIP11 (thyroid hormone receptor interactor 11; minus strand). Cytogenetic location: 14q32.12.
Variant type: single nucleotide variant.
Coding change: c.5197G>A on transcript NM_004239.4 (MANE Select); coding-DNA position 5197, G replaced by A.
Protein change: p.Ala1733Thr; replaces alanine 1733 with threonine.
Molecular consequence: missense variant.
Genome position (GRCh38, 1-based): chr14:91,988,347, C>T on the plus strand (G>A on the coding strand, the complement: TRIP11 is on the minus strand). VCF-style: chr14-91988347-C-T. GRCh37 (hg19) VCF-style: chr14-92454691-C-T.
Other names: c.5194G>A, p.Ala1732Thr (NM_001321851.1); short protein forms A1732T, A1733T.
Identifiers: ClinVar variation 887451 (VCV000887451.9), dbSNP rs142518915, ClinGen allele CA7313242.